The following is an entry in ClinVar:

NM_000553.6(WRN):c.1619T>G (p.Leu540Arg)

Gene: WRN (WRN RecQ like helicase; plus strand). Cytogenetic location: 8p12.
Variant type: single nucleotide variant.
Coding change: c.1619T>G on transcript NM_000553.6 (MANE Select); coding-DNA position 1619, T replaced by G.
Protein change: p.Leu540Arg; replaces leucine 540 with arginine.
Molecular consequence: missense variant.
Genome position (GRCh38, 1-based): chr8:31,088,932, T>G. VCF-style: chr8-31088932-T-G. GRCh37 (hg19) VCF-style: chr8-30946448-T-G.
Other names: short protein forms L540R.
Identifiers: ClinVar variation 646016 (VCV000646016.4), dbSNP rs1585438192, ClinGen allele CA370926354.
Genomic context (GRCh38, chr8:31,088,932, plus strand): 5'-ATTTTATTTTATTTCCAGACTTTTTGTGGCCAGCACCCAATGAAGAGCAAGTTACTTGCC[T>G]CAAGATGTACTTTGGCCATTCCAGTTTTAAACCGTGAGTATAATCTCATTTAATCAAATC-3'
Protein context (NP_000544.2, residues 530-550): PAPNEEQVTC[Leu540Arg]KMYFGHSSFK

ClinVar aggregate classification (germline): Uncertain significance (1 of 4 stars; one submission).

Conditions:
Werner syndrome (WRN). Identifiers: Orphanet 902, MedGen C0043119, MONDO:0010196, OMIM 277700.

Submission:

Labcorp Genetics (formerly Invitae), Labcorp
Classification: Uncertain significance for Werner syndrome. Last evaluated: 2023-04-17. Review status: criteria provided, single submitter. Criteria: Invitae Variant Classification Sherloc (09022015). Collection method: clinical testing. Allele origin: germline.
Comment: An algorithm developed to predict the effect of missense changes on protein structure and function (PolyPhen-2) suggests that this variant is likely to be disruptive. This variant is not present in population databases (gnomAD no frequency). This variant has not been reported in the literature in individuals affected with WRN-related conditions. ClinVar contains an entry for this variant (Variation ID: 646016). This sequence change replaces leucine, which is neutral and non-polar, with arginine, which is basic and polar, at codon 540 of the WRN protein (p.Leu540Arg). In summary, the available evidence is currently insufficient to determine the role of this variant in disease. Therefore, it has been classified as a Variant of Uncertain Significance.